The following is an entry in ClinVar:

ClinVar aggregate classification (germline): Likely benign. Review status: criteria provided, multiple submitters, no conflicts (2 of 4 stars). 2 submissions from 2 submitters: Likely benign (2). Last evaluated 2025-12-22.

Conditions:
Fanconi anemia complementation group J. Also called: BRIP1-Related Fanconi Anemia. Identifiers: Orphanet 84, MedGen C1836860, MONDO:0012187, OMIM 609054.
Familial cancer of breast. Also called: hereditary breast carcinoma; BREAST CANCER, FAMILIAL; Hereditary breast cancer. Identifiers: Orphanet 227535, MedGen C0346153, MONDO:0016419, OMIM 114480. Disease mechanism: loss of function.

gnomAD v4.1: 1 of 1,603,072 alleles (0.000062%); highest among the groups gnomAD compares: Admixed American, 0.0017%; no homozygotes.

Submissions (2):

Labcorp Genetics (formerly Invitae), Labcorp
Classification: Likely benign for Familial cancer of breast; Fanconi anemia complementation group J. Last evaluated: 2025-12-22. Review status: criteria provided, single submitter. Criteria: Invitae Variant Classification Sherloc (09022015). Collection method: clinical testing. Allele origin: germline.

Myriad Genetics, Inc.
Classification: Likely benign for Familial cancer of breast. Last evaluated: 2024-08-23. Review status: criteria provided, single submitter. Criteria: Myriad Autosomal Dominant, Autosomal Recessive and X-Linked Classification Criteria (2023). Collection method: clinical testing. Allele origin: unknown.
Comment: This variant is considered likely benign. This variant is intronic and is not expected to impact mRNA splicing.

NM_032043.3(BRIP1):c.1140+8T>C

Gene: BRIP1 (BRCA1 interacting DNA helicase 1; minus strand). Cytogenetic location: 17q23.2.
Variant type: single nucleotide variant.
Coding change: c.1140+8T>C on transcript NM_032043.3 (MANE Select); 8 bases into the intron after coding-DNA position 1140, T replaced by C.
Molecular consequence: intron variant.
Genome position (GRCh38, 1-based): chr17:61,801,245, A>G on the plus strand (T>C on the coding strand, the complement: BRIP1 is on the minus strand). VCF-style: chr17-61801245-A-G. GRCh37 (hg19) VCF-style: chr17-59878606-A-G.
Identifiers: ClinVar variation 3378762 (VCV003378762.2).